The following is an entry in ClinVar:

NM_002693.3(POLG):c.790C>A (p.Gln264Lys)

Gene: POLG (DNA polymerase gamma, catalytic subunit; minus strand). Cytogenetic location: 15q26.1.
Variant type: single nucleotide variant.
Coding change: c.790C>A on transcript NM_002693.3 (MANE Select); coding-DNA position 790, C replaced by A.
Protein change: p.Gln264Lys; replaces glutamine 264 with lysine.
Molecular consequence: missense variant.
Genome position (GRCh38, 1-based): chr15:89,330,146, G>T on the plus strand (C>A on the coding strand, the complement: POLG is on the minus strand). VCF-style: chr15-89330146-G-T. GRCh37 (hg19) VCF-style: chr15-89873377-G-T.
Other names: c.790C>A, p.Gln264Lys (NM_001126131.2); short protein forms Q264K.
Identifiers: ClinVar variation 2763889 (VCV002763889.3), dbSNP rs776669296, ClinGen allele CA393766847.
Genomic context (GRCh38, chr15:89,330,146, plus strand): 5'-TCAGGTACTGCTCCCTGATATGAGCTCGGTCAAAGGAAACATTGTGCCCCACCACTAACT[G>T]CTCCTGCCAGTCTCTCTGGGTGGGGCTGCTGGCACCAGTAGGGACCTCCAGGGGGATGAG-3'
Protein context (NP_002684.1, residues 254-274): SSPTQRDWQE[Gln264Lys]LVVGHNVSFD

ClinVar aggregate classification (germline): Uncertain significance (1 of 4 stars; one submission).

Conditions:
Progressive sclerosing poliodystrophy (MTDPS4A). Also called: ALPERS PROGRESSIVE INFANTILE POLIODYSTROPHY; NEURONAL DEGENERATION OF CHILDHOOD WITH LIVER DISEASE, PROGRESSIVE; Alpers Syndrome; ALPERS DIFFUSE DEGENERATION OF CEREBRAL GRAY MATTER WITH HEPATIC CIRRHOSIS; Alpers-Huttenlocher Syndrome; Mitochondrial DNA depletion syndrome 4A (Alpers type). Identifiers: Orphanet 726, MedGen C0205710, MONDO:0008758, OMIM 203700.

Submission:

Labcorp Genetics (formerly Invitae), Labcorp
Classification: Uncertain significance for Progressive sclerosing poliodystrophy. Last evaluated: 2023-09-27. Review status: criteria provided, single submitter. Criteria: Invitae Variant Classification Sherloc (09022015). Collection method: clinical testing. Allele origin: germline.
Comment: In summary, the available evidence is currently insufficient to determine the role of this variant in disease. Therefore, it has been classified as a Variant of Uncertain Significance. Advanced modeling of protein sequence and biophysical properties (such as structural, functional, and spatial information, amino acid conservation, physicochemical variation, residue mobility, and thermodynamic stability) performed at Invitae indicates that this missense variant is not expected to disrupt POLG protein function. This variant has not been reported in the literature in individuals affected with POLG-related conditions. This variant is not present in population databases (gnomAD no frequency). This sequence change replaces glutamine, which is neutral and polar, with lysine, which is basic and polar, at codon 264 of the POLG protein (p.Gln264Lys).